The following is an entry in ClinVar:

NM_000051.4(ATM):c.8788T>G (p.Cys2930Gly)

Genes: C11orf65 (chromosome 11 open reading frame 65; minus strand), ATM (ATM serine/threonine kinase; plus strand). Cytogenetic location: 11q22.3.
Variant type: single nucleotide variant.
Coding change: c.8788T>G on transcript NM_000051.4 (MANE Select); coding-DNA position 8788, T replaced by G.
Protein change: p.Cys2930Gly; replaces cysteine 2930 with glycine.
Molecular consequence: missense variant. On other transcripts: intron variant (2).
Genome position (GRCh38, 1-based): chr11:108,354,812, T>G. VCF-style: chr11-108354812-T-G. GRCh37 (hg19) VCF-style: chr11-108225539-T-G.
Other names: c.695-19520A>C (NM_001351110.2); c.8788T>G, p.Cys2930Gly (NM_001351834.2); c.640+31108A>C (NM_001330368.2); short protein forms C2930G.
Identifiers: ClinVar variation 232504 (VCV000232504.10), dbSNP rs876659807, ClinGen allele CA10579319.

ClinVar aggregate classification (germline): Uncertain significance. Review status: criteria provided, multiple submitters, no conflicts (2 of 4 stars). 2 submissions from 2 submitters: Uncertain significance (2). Last evaluated 2025-06-20.

Conditions:
Hereditary cancer-predisposing syndrome. Also called: Neoplastic Syndromes, Hereditary; Hereditary neoplastic syndrome; Tumor predisposition; Hereditary Cancer Syndrome. Identifiers: Orphanet 140162, MedGen C0027672, MeSH D009386, MONDO:0015356.
Ataxia-telangiectasia syndrome (AT). Also called: Ataxia telangiectasia (A-T); Cerebello-oculocutaneous telangiectasia; Immunodeficiency with ataxia telangiectasia; LOUIS-BAR SYNDROME; AT, COMPLEMENTATION GROUP C; ATAXIA-TELANGIECTASIA, FRESNO VARIANT. Identifiers: Orphanet 100, MedGen C0004135, MONDO:0008840, OMIM 208900.

Submissions (2):

Labcorp Genetics (formerly Invitae), Labcorp
Classification: Uncertain significance for Ataxia-telangiectasia syndrome. Last evaluated: 2025-06-20. Review status: criteria provided, single submitter. Criteria: Invitae Variant Classification Sherloc (09022015). Collection method: clinical testing. Allele origin: germline.
Comment: This sequence change replaces cysteine, which is neutral and slightly polar, with glycine, which is neutral and non-polar, at codon 2930 of the ATM protein (p.Cys2930Gly). This variant is not present in population databases (gnomAD no frequency). This missense change has been observed in individual(s) with breast cancer (PMID: 35534704). ClinVar contains an entry for this variant (Variation ID: 232504). An algorithm developed to predict the effect of missense changes on protein structure and function (PolyPhen-2) suggests that this variant is likely to be disruptive. Algorithms developed to predict the effect of sequence changes on RNA splicing suggest that this variant may disrupt the consensus splice site. In summary, the available evidence is currently insufficient to determine the role of this variant in disease. Therefore, it has been classified as a Variant of Uncertain Significance.

Ambry Genetics
Classification: Uncertain significance for Hereditary cancer-predisposing syndrome. Last evaluated: 2024-04-16. Review status: criteria provided, single submitter. Criteria: Ambry Variant Classification Scheme 2023. Collection method: clinical testing. Allele origin: germline.
Comment: The p.C2930G variant (also known as c.8788T>G), located in coding exon 60 of the ATM gene, results from a T to G substitution at nucleotide position 8788. The cysteine at codon 2930 is replaced by glycine, an amino acid with highly dissimilar properties. This amino acid position is highly conserved in available vertebrate species. In addition, this alteration is predicted to be deleterious by in silico analysis. Since supporting evidence is limited at this time, the clinical significance of this alteration remains unclear.

Literature cited by the submitters: PubMed 35534704 (cited by Labcorp Genetics (formerly Invitae), Labcorp).